The following is an entry in ClinVar:

NM_004211.5(SLC6A5):c.1534A>G (p.Thr512Ala)

Gene: SLC6A5 (solute carrier family 6 member 5; plus strand). Cytogenetic location: 11p15.1.
Variant type: single nucleotide variant.
Coding change: c.1534A>G on transcript NM_004211.5 (MANE Select); coding-DNA position 1534, A replaced by G.
Protein change: p.Thr512Ala; replaces threonine 512 with alanine.
Molecular consequence: missense variant.
Genome position (GRCh38, 1-based): chr11:20,630,725, A>G. VCF-style: chr11-20630725-A-G. GRCh37 (hg19) VCF-style: chr11-20652271-A-G.
Other names: c.832A>G, p.Thr278Ala (NM_001318369.2); short protein forms T512A, T278A.
Identifiers: ClinVar variation 1474273 (VCV001474273.8), dbSNP rs2133802994, ClinGen allele CA379917468.

ClinVar aggregate classification (germline): Uncertain significance (1 of 4 stars; one submission).

Conditions:
Hyperekplexia 3 (HKPX3). Also called: HYPEREKPLEXIA 3, AUTOSOMAL RECESSIVE; HYPEREKPLEXIA 3, AUTOSOMAL DOMINANT. Identifiers: Orphanet 3197, MedGen C3553288, MONDO:0013827, OMIM 614618.

Submission:

Labcorp Genetics (formerly Invitae), Labcorp
Classification: Uncertain significance for Hyperekplexia 3. Last evaluated: 2024-04-11. Review status: criteria provided, single submitter. Criteria: Invitae Variant Classification Sherloc (09022015). Collection method: clinical testing. Allele origin: germline.
Comment: This sequence change replaces threonine, which is neutral and polar, with alanine, which is neutral and non-polar, at codon 512 of the SLC6A5 protein (p.Thr512Ala). This variant is not present in population databases (gnomAD no frequency). This variant has not been reported in the literature in individuals affected with SLC6A5-related conditions. ClinVar contains an entry for this variant (Variation ID: 1474273). Advanced modeling of protein sequence and biophysical properties (such as structural, functional, and spatial information, amino acid conservation, physicochemical variation, residue mobility, and thermodynamic stability) has been performed at Invitae for this missense variant, however the output from this modeling did not meet the statistical confidence thresholds required to predict the impact of this variant on SLC6A5 protein function. In summary, the available evidence is currently insufficient to determine the role of this variant in disease. Therefore, it has been classified as a Variant of Uncertain Significance.